The following is an entry in ClinVar:

NM_130384.3(ATRIP):c.1681C>T (p.Leu561=)

Genes: ATRIP (ATR interacting protein; plus strand), ATRIP-TREX1 (ATRIP-TREX1 readthrough; plus strand). Cytogenetic location: 3p21.31.
Variant type: single nucleotide variant.
Coding change: c.1681C>T on transcript NM_130384.3 (MANE Select); coding-DNA position 1681, C replaced by T.
Protein change: p.Leu561=; no amino-acid change (leucine 561 retained).
Molecular consequence: synonymous variant. On other transcripts: non-coding transcript variant (1).
Genome position (GRCh38, 1-based): chr3:48,460,735, C>T. VCF-style: chr3-48460735-C-T. GRCh37 (hg19) VCF-style: chr3-48502134-C-T.
Other names: c.1300C>T, p.Leu434= (NM_001271022.2); c.1402C>T, p.Leu468= (NM_001271023.2); c.1681C>T, p.Leu561= (NM_032166.4).
Identifiers: ClinVar variation 3389706 (VCV003389706.14).

ClinVar aggregate classification (germline): Uncertain significance (1 of 4 stars; one submission).

Submission:

CeGaT Center for Human Genetics Tuebingen
Classification: Uncertain significance. Last evaluated: 2024-09-01. Review status: criteria provided, single submitter. Criteria: CeGaT Center For Human Genetics Tuebingen Variant Classification Criteria Version 2. Collection method: clinical testing. Allele origin: germline. Affected: yes. Observed: 1 variant allele.
Comment: ATRIP: PM2:Supporting, BP4